The following is an entry in ClinVar:

ClinVar aggregate classification (germline): Pathogenic/Likely pathogenic. Review status: criteria provided, multiple submitters, no conflicts (2 of 4 stars). 6 submissions from 6 submitters: Pathogenic (2); Likely pathogenic (2). 2 of the submissions do not count toward it. Last evaluated 2026-08-05.

Conditions:
Alkaptonuria (AKU). Also called: Alcaptonuria; HOMOGENTISIC ACID OXIDASE DEFICIENCY; Homogentisic acidura; Alkaptonuric ochronosis. Identifiers: Orphanet 56, MedGen C0002066, MONDO:0008753, OMIM 203500.

Allele frequency attached by ClinVar (database versions not stated): gnomAD exomes below 0.00001; ExAC 0.00001.
gnomAD v4.1: 2 of 1,613,944 alleles (0.00012%); highest among the groups gnomAD compares: Non-Finnish European, 0.00017%; no homozygotes.

Submissions (6):

Myriad Genetics, Inc.
Classification: Likely pathogenic for Alkaptonuria. Last evaluated: 2026-08-05. Review status: criteria provided, single submitter. Criteria: Myriad Autosomal Dominant, Autosomal Recessive and X-Linked Classification Criteria (2023). Collection method: clinical testing. Allele origin: unknown.
Comment: NM_000187.3(HGD):c.1201G>C(E401Q) is a missense variant classified as likely pathogenic in the context of alkaptonuria. E401Q has been observed in cases with relevant disease (PMID: 19862842, 25804398). Relevant functional assessments of this variant are not available in the literature. E401Q has not been observed in referenced population frequency databases. In summary, NM_000187.3(HGD):c.1201G>C(E401Q) is a missense variant that has been observed more frequently in cases with the relevant disease than in healthy populations. Please note: this variant was assessed in the context of healthy population screening.

Fulgent Genetics
Classification: Pathogenic for Alkaptonuria. Last evaluated: 2024-05-17. Review status: criteria provided, single submitter. Criteria: ACMG Guidelines, 2015. Collection method: clinical testing. Allele origin: germline.

3billion
Classification: Likely pathogenic for Alkaptonuria. Last evaluated: 2024-01-30. Review status: criteria provided, single submitter. Criteria: ACMG Guidelines, 2015. Collection method: clinical testing. Allele origin: germline. Affected: yes.
Comment: The variant is observed at an extremely low frequency in the gnomAD v2.1.1 dataset (total allele frequency: <0.001%). Predicted Consequence/Location: Missense variant In silico tool predictions suggest damaging effect of the variant on gene or gene product [REVEL: 0.97 (>=0.6, sensitivity 0.68 and specificity 0.92); 3Cnet: 0.74 (>=0.6, sensitivity 0.72 and precision 0.9)]. Same nucleotide change resulting in same amino acid change has been previously reported as pathogenic/likely pathogenic with strong evidence (ClinVar ID: VCV000371502 /PMID: 14978662). Therefore, this variant is classified as Likely pathogenic according to the recommendation of ACMG/AMP guideline.

Labcorp Genetics (formerly Invitae), Labcorp
Classification: Pathogenic for Alkaptonuria. Last evaluated: 2021-02-18. Review status: criteria provided, single submitter. Criteria: Invitae Variant Classification Sherloc (09022015). Collection method: clinical testing. Allele origin: germline.
Comment: For these reasons, this variant has been classified as Pathogenic. Algorithms developed to predict the effect of missense changes on protein structure and function (SIFT, PolyPhen-2, Align-GVGD) all suggest that this variant is likely to be disruptive, but these predictions have not been confirmed by published functional studies and their clinical significance is uncertain. This variant has been observed in individual(s) with alkaptonuria (PMID: 14978662, 25804398, 19862842). ClinVar contains an entry for this variant (Variation ID: 371502). This variant is present in population databases (rs767159114, ExAC 0.001%). This sequence change replaces glutamic acid with glutamine at codon 401 of the HGD protein (p.Glu401Gln). The glutamic acid residue is highly conserved and there is a small physicochemical difference between glutamic acid and glutamine.

Counsyl
Classification: Likely pathogenic for Alkaptonuria. Last evaluated: 2016-10-05. Review status: no assertion criteria provided. Collection method: clinical testing. Allele origin: unknown. Not counted in ClinVar's aggregate classification.

Department Of Human Genetics, Institute Of Clinical And Translational Research, Biomedical Research Center, Slovak Academy Of Sciences
Classification: Pathogenic for Alkaptonuria. Review status: no assertion criteria provided. Collection method: research. Allele origin: germline. Inheritance: Autosomal recessive inheritance. Affected: yes. Observed: 13 variant alleles. Not counted in ClinVar's aggregate classification.
Comment: The variant was originally described in AKU patient in PMID:14978662. It has been submitted to the HGD gene mutation database (DB-ID: AKU_00102).

Literature cited by the submitters: PubMed 19862842 (cited by 3 submitters); PubMed 25804398 (cited by 3 submitters); PubMed 14978662 (cited by 3 submitters).

NM_000187.4(HGD):c.1201G>C (p.Glu401Gln)

Gene: HGD (homogentisate 1,2-dioxygenase; minus strand). Cytogenetic location: 3q13.33.
Variant type: single nucleotide variant.
Coding change: c.1201G>C on transcript NM_000187.4 (MANE Select); coding-DNA position 1201, G replaced by C.
Protein change: p.Glu401Gln; replaces glutamic acid 401 with glutamine.
Molecular consequence: missense variant.
Genome position (GRCh38, 1-based): chr3:120,628,517, C>G on the plus strand (G>C on the coding strand, the complement: HGD is on the minus strand). VCF-style: chr3-120628517-C-G. GRCh37 (hg19) VCF-style: chr3-120347364-C-G.
Other names: short protein forms E401Q.
Identifiers: ClinVar variation 371502 (VCV000371502.15), dbSNP rs767159114, ClinGen allele CA2559930.